The following is an entry in ClinVar:

NM_001384950.1(NLRC5):c.4407-9C>A

Gene: NLRC5 (NLR family CARD domain containing 5; plus strand). Cytogenetic location: 16q13.
Variant type: single nucleotide variant.
Coding change: c.4407-9C>A on transcript NM_001384950.1 (MANE Select); 9 bases into the intron before coding-DNA position 4407, C replaced by A.
Molecular consequence: intron variant.
Genome position (GRCh38, 1-based): chr16:57,067,727, C>A. VCF-style: chr16-57067727-C-A. GRCh37 (hg19) VCF-style: chr16-57101639-C-A.
Other names: c.4323-9C>A (NM_001384954.1); c.4404-9C>A (NM_001384953.1, NM_001384952.1); c.4317-9C>A (NM_001384957.1); c.4320-9C>A (NM_001384956.1, NM_001384951.1, NM_001384955.1 and 1 more transcripts); c.4230-9C>A (NM_001384959.1, NM_001384960.1); c.4407-9C>A (NM_032206.5); c.4233-9C>A (NM_001384958.1).
Identifiers: ClinVar variation 103196 (VCV000103196.2), dbSNP rs199476008, ClinGen allele CA230245.

ClinVar aggregate classification (germline): not provided (0 of 4 stars; one submission).

Allele frequency attached by ClinVar (database versions not stated): ESP Exome Variant Server 0.00008; gnomAD 0.00012 and 0.00015; TOPMed 0.00013; ExAC 0.00015; gnomAD exomes 0.00017 and 0.00025; 1000 Genomes Project 30x 0.00031; 1000 Genomes Project 0.00040.
gnomAD v4.1: 411 of 1,612,966 alleles (0.025%); highest among the groups gnomAD compares: East Asian, 0.074%; no homozygotes.

Submission:

Human Evolutionary Genetics, Institut Pasteur
No classification provided. Review status: no classification provided. Collection method: not provided. Allele origin: germline.
ClinVar note: Converted during submission from untested to not provided.